The following is an entry in ClinVar:

NM_000266.4(NDP):c.165T>C (p.Cys55=)

Genes: NDP (norrin cystine knot growth factor NDP; minus strand), NDP-AS1 (NDP antisense RNA 1; plus strand). Cytogenetic location: Xp11.3.
Variant type: single nucleotide variant.
Coding change: c.165T>C on transcript NM_000266.4 (MANE Select); coding-DNA position 165, T replaced by C.
Protein change: p.Cys55=; no amino-acid change (cysteine 55 retained).
Molecular consequence: synonymous variant.
Genome position (GRCh38, 1-based): chrX:43,958,481, A>G on the plus strand (T>C on the coding strand, the complement: NDP is on the minus strand). VCF-style: chrX-43958481-A-G. GRCh37 (hg19) VCF-style: chrX-43817727-A-G.
Identifiers: ClinVar variation 1166604 (VCV001166604.13), dbSNP rs201271933, ClinGen allele CA10391436.

ClinVar aggregate classification (germline): Benign/Likely benign. Review status: criteria provided, multiple submitters, no conflicts (2 of 4 stars). 4 submissions from 4 submitters: Benign (2); Likely benign (2). Last evaluated 2025-08-03.

Conditions:
NDP-related disorder. Also called: NDP-related condition.

Allele frequency attached by ClinVar (database versions not stated): gnomAD 0.00007 and 0.00009; gnomAD exomes 0.00007 and 0.00023; TOPMed 0.00017; ExAC 0.00025; 1000 Genomes Project 0.00079; 1000 Genomes Project 30x 0.00083.
gnomAD v4.1: 84 of 1,210,223 alleles (0.0069%); highest among the groups gnomAD compares: East Asian, 0.24%; no homozygotes.

Submissions (4):

Labcorp Genetics (formerly Invitae), Labcorp
Classification: Benign. Last evaluated: 2025-08-03. Review status: criteria provided, single submitter. Criteria: Invitae Variant Classification Sherloc (09022015). Collection method: clinical testing. Allele origin: germline.

PreventionGenetics, part of Exact Sciences
Classification: Likely benign for NDP-related condition. Last evaluated: 2025-04-02. Review status: criteria provided, single submitter. Criteria: ACMG Guidelines, 2015. Collection method: clinical testing. Allele origin: germline.
Comment: This variant is classified as likely benign based on ACMG/AMP sequence variant interpretation guidelines (Richards et al. 2015 PMID: 25741868, with internal and published modifications).

Blueprint Genetics
Classification: Likely benign. Last evaluated: 2024-09-06. Review status: criteria provided, single submitter. Criteria: ACMG Guidelines, 2015. Collection method: clinical testing. Allele origin: germline.

GeneDx
Classification: Benign. Last evaluated: 2020-02-19. Review status: criteria provided, single submitter. Criteria: GeneDx Variant Classification Process June 2021. Collection method: clinical testing. Allele origin: germline. Affected: yes.